The following is an entry in ClinVar:

ClinVar aggregate classification (germline): Uncertain significance (1 of 4 stars; one submission).

Conditions:
Hereditary cancer-predisposing syndrome. Also called: Neoplastic Syndromes, Hereditary; Tumor predisposition; Hereditary Cancer Syndrome; Hereditary neoplastic syndrome. Identifiers: Orphanet 140162, MedGen C0027672, MeSH D009386, MONDO:0015356.

Submission:

Ambry Genetics
Classification: Uncertain significance for Hereditary cancer-predisposing syndrome. Last evaluated: 2025-06-22. Review status: criteria provided, single submitter. Criteria: Ambry Variant Classification Scheme 2023. Collection method: clinical testing. Allele origin: germline.
Comment: The p.S1394R variant (also known as c.4182C>A), located in coding exon 27 of the ATM gene, results from a C to A substitution at nucleotide position 4182. The serine at codon 1394 is replaced by arginine, an amino acid with dissimilar properties. This amino acid position is conserved. In addition, this alteration is predicted to be deleterious by in silico analysis. Based on the available evidence, the clinical significance of this variant remains unclear.

NM_000051.4(ATM):c.4182C>A (p.Ser1394Arg)

Gene: ATM (ATM serine/threonine kinase; plus strand). Cytogenetic location: 11q22.3.
Variant type: single nucleotide variant.
Coding change: c.4182C>A on transcript NM_000051.4 (MANE Select); coding-DNA position 4182, C replaced by A.
Protein change: p.Ser1394Arg; replaces serine 1394 with arginine.
Molecular consequence: missense variant.
Genome position (GRCh38, 1-based): chr11:108,289,049, C>A. VCF-style: chr11-108289049-C-A. GRCh37 (hg19) VCF-style: chr11-108159776-C-A.
Other names: c.4182C>A, p.Ser1394Arg (NM_001351834.2); short protein forms S1394R.
Identifiers: ClinVar variation 4168889 (VCV004168889.1).
Genomic context (GRCh38, chr11:108,289,049, plus strand): 5'-TGCTCCTAATCCACCTCATTTTCCATCGCATGTGATTAAAGCAACATTTGCCTATATCAG[C>A]AATTGTCATAAAACCAAGTTAAAAAGCATTTTAGAAATTCTTTCCAAAAGCCCTGTAAGT-3'
Protein context (NP_000042.3, residues 1384-1404): HVIKATFAYI[Ser1394Arg]NCHKTKLKSI